The following is an entry in ClinVar:

ClinVar aggregate classification (germline): Uncertain significance (1 of 4 stars; one submission).

Conditions:
PURA-related severe neonatal hypotonia-seizures-encephalopathy syndrome (NEDRIHF). Also called: NEURODEVELOPMENTAL DISORDER WITH NEONATAL RESPIRATORY INSUFFICIENCY, HYPOTONIA, AND FEEDING DIFFICULTIES; PURA-Related Neurodevelopmental Disorders. Identifiers: Orphanet 438213, Orphanet 438216, MedGen C4015357, MONDO:1060108, OMIM 616158, MONDO:0018580.

Submission:

Labcorp Genetics (formerly Invitae), Labcorp
Classification: Uncertain significance for PURA-related severe neonatal hypotonia-seizures-encephalopathy syndrome. Last evaluated: 2025-01-22. Review status: criteria provided, single submitter. Criteria: Invitae Variant Classification Sherloc (09022015). Collection method: clinical testing. Allele origin: germline.
Comment: This sequence change replaces asparagine, which is neutral and polar, with serine, which is neutral and polar, at codon 175 of the PURA protein (p.Asn175Ser). This variant is not present in population databases (gnomAD no frequency). This variant has not been reported in the literature in individuals affected with PURA-related conditions. ClinVar contains an entry for this variant (Variation ID: 2847598). Invitae Evidence Modeling of protein sequence and biophysical properties (such as structural, functional, and spatial information, amino acid conservation, physicochemical variation, residue mobility, and thermodynamic stability) indicates that this missense variant is not expected to disrupt PURA protein function with a negative predictive value of 95%. In summary, the available evidence is currently insufficient to determine the role of this variant in disease. Therefore, it has been classified as a Variant of Uncertain Significance.

NM_005859.5(PURA):c.524A>G (p.Asn175Ser)

Gene: PURA (purine rich element binding protein A; plus strand). Cytogenetic location: 5q31.3.
Variant type: single nucleotide variant.
Coding change: c.524A>G on transcript NM_005859.5 (MANE Select); coding-DNA position 524, A replaced by G.
Protein change: p.Asn175Ser; replaces asparagine 175 with serine.
Molecular consequence: missense variant.
Genome position (GRCh38, 1-based): chr5:140,114,705, A>G. VCF-style: chr5-140114705-A-G. GRCh37 (hg19) VCF-style: chr5-139494290-A-G.
Other names: short protein forms N175S.
Identifiers: ClinVar variation 2847598 (VCV002847598.3), dbSNP rs2479505504, ClinGen allele CA361490962.